The following is an entry in ClinVar:

NM_000051.4(ATM):c.3237T>G (p.Ala1079=)

Gene: ATM (ATM serine/threonine kinase; plus strand). Cytogenetic location: 11q22.3.
Variant type: single nucleotide variant.
Coding change: c.3237T>G on transcript NM_000051.4 (MANE Select); coding-DNA position 3237, T replaced by G.
Protein change: p.Ala1079=; no amino-acid change (alanine 1079 retained).
Molecular consequence: synonymous variant.
Genome position (GRCh38, 1-based): chr11:108,272,805, T>G. VCF-style: chr11-108272805-T-G. GRCh37 (hg19) VCF-style: chr11-108143532-T-G.
Other names: c.3237T>G, p.Ala1079= (NM_001351834.2).
Identifiers: ClinVar variation 2046899 (VCV002046899.5), dbSNP rs564238520, ClinGen allele CA476745127.

ClinVar aggregate classification (germline): Benign/Likely benign. Review status: criteria provided, multiple submitters, no conflicts (2 of 4 stars). 2 submissions from 2 submitters: Benign (1); Likely benign (1). Last evaluated 2024-05-14.

Conditions:
Familial cancer of breast. Also called: Hereditary breast cancer; hereditary breast carcinoma; BREAST CANCER, FAMILIAL. Identifiers: Orphanet 227535, MedGen C0346153, MONDO:0016419, OMIM 114480. Disease mechanism: loss of function.
Ataxia-telangiectasia syndrome (AT). Also called: LOUIS-BAR SYNDROME; AT, COMPLEMENTATION GROUP C; Ataxia-telangiectasia, complementation group E; Ataxia telangiectasia (A-T); ATAXIA-TELANGIECTASIA, COMPLEMENTATION GROUP A; ATAXIA-TELANGIECTASIA, FRESNO VARIANT. Identifiers: Orphanet 100, MedGen C0004135, MONDO:0008840, OMIM 208900.

Submissions (2):

Myriad Genetics, Inc.
Classification: Benign for Familial cancer of breast. Last evaluated: 2024-05-14. Review status: criteria provided, single submitter. Criteria: Myriad Autosomal Dominant, Autosomal Recessive and X-Linked Classification Criteria (2023). Collection method: clinical testing. Allele origin: unknown.
Comment: This variant is considered benign. This variant is a silent/synonymous amino acid change and it is not expected to impact splicing.

Labcorp Genetics (formerly Invitae), Labcorp
Classification: Likely benign for Ataxia-telangiectasia syndrome. Last evaluated: 2021-12-18. Review status: criteria provided, single submitter. Criteria: Invitae Variant Classification Sherloc (09022015). Collection method: clinical testing. Allele origin: germline.